The following is an entry in ClinVar:

NM_000245.4(MET):c.1533G>C (p.Thr511=)

Gene: MET (MET proto-oncogene, receptor tyrosine kinase; plus strand). Cytogenetic location: 7q31.2.
Variant type: single nucleotide variant.
Coding change: c.1533G>C on transcript NM_000245.4 (MANE Select); coding-DNA position 1533, G replaced by C.
Protein change: p.Thr511=; no amino-acid change (threonine 511 retained).
Molecular consequence: synonymous variant.
Genome position (GRCh38, 1-based): chr7:116,740,857, G>C. VCF-style: chr7-116740857-G-C. GRCh37 (hg19) VCF-style: chr7-116380911-G-C.
Other names: c.1533G>C, p.Thr511= (NM_001127500.3, NM_001324401.3); c.243G>C, p.Thr81= (NM_001324402.2).
Identifiers: ClinVar variation 1774673 (VCV001774673.6), dbSNP rs866306366, ClinGen allele CA457215549.

ClinVar aggregate classification (germline): Benign/Likely benign. Review status: criteria provided, multiple submitters, no conflicts (2 of 4 stars). 3 submissions from 3 submitters: Benign (1); Likely benign (2). Last evaluated 2025-06-24.

Conditions:
Renal cell carcinoma. Identifiers: Orphanet 217071, MedGen C0007134, MeSH D002292, MONDO:0005086, HP:0005584.
Hereditary cancer-predisposing syndrome. Also called: Hereditary Cancer Syndrome; Hereditary neoplastic syndrome; Neoplastic Syndromes, Hereditary; Tumor predisposition. Identifiers: Orphanet 140162, MedGen C0027672, MeSH D009386, MONDO:0015356.
Papillary renal cell carcinoma type 1 (RCCP1). Also called: Renal adenocarcinoma; Renal cell carcinoma 1; Renal cell carcinoma, somatic; RENAL CELL CARCINOMA, PAPILLARY, 1, SOMATIC. Identifiers: Orphanet 47044, MedGen C1336839, OMIM 605074, HP:0011797.

Submissions (3):

Labcorp Genetics (formerly Invitae), Labcorp
Classification: Likely benign for Renal cell carcinoma. Last evaluated: 2025-06-24. Review status: criteria provided, single submitter. Criteria: Invitae Variant Classification Sherloc (09022015). Collection method: clinical testing. Allele origin: germline.

Myriad Genetics, Inc.
Classification: Benign for Papillary renal cell carcinoma type 1. Last evaluated: 2024-11-07. Review status: criteria provided, single submitter. Criteria: Myriad Autosomal Dominant, Autosomal Recessive and X-Linked Classification Criteria (2023). Collection method: clinical testing. Allele origin: unknown.
Comment: This variant is considered benign. This variant is a silent/synonymous amino acid change and it is not expected to impact splicing.

Ambry Genetics
Classification: Likely benign for Hereditary cancer-predisposing syndrome. Last evaluated: 2019-10-18. Review status: criteria provided, single submitter. Criteria: Ambry Variant Classification Scheme 2023. Collection method: clinical testing. Allele origin: germline.